The following is an entry in ClinVar:

ClinVar aggregate classification (germline): Uncertain significance (1 of 4 stars; one submission).

Submission:

Labcorp Genetics (formerly Invitae), Labcorp
Classification: Uncertain significance. Last evaluated: 2023-02-03. Review status: criteria provided, single submitter. Criteria: Invitae Variant Classification Sherloc (09022015). Collection method: clinical testing. Allele origin: germline.
Comment: In summary, the available evidence is currently insufficient to determine the role of this variant in disease. Therefore, it has been classified as a Variant of Uncertain Significance. This variant has not been reported in the literature in individuals affected with ATP1A1-related conditions. Experimental studies and prediction algorithms are not available or were not evaluated, and the effect of this variant on mRNA splicing is currently unknown. This sequence change falls in intron 7 of the ATP1A1 gene. It does not directly change the encoded amino acid sequence of the ATP1A1 protein. Information on the frequency of this variant in the gnomAD database is not available, as this variant may be reported differently in the database.

NM_000701.8(ATP1A1):c.754+16_754+17delinsTA

Gene: ATP1A1 (ATPase Na+/K+ transporting subunit alpha 1; plus strand). Cytogenetic location: 1p13.1.
Variant type: Indel.
Coding change: c.754+16_754+17delinsTA on transcript NM_000701.8 (MANE Select); bases 16 to 17 of the intron after coding-DNA position 754, GC replaced by TA.
Molecular consequence: intron variant.
Genome position (GRCh38, 1-based): chr1:116,389,035-116,389,036, GC replaced by TA. VCF-style: chr1-116389035-GC-TA. GRCh37 (hg19) VCF-style: chr1-116931657-GC-TA.
Other names: c.754+16_754+17delinsTA (NM_001160233.2); c.661+16_661+17delinsTA (NM_001160234.2).
Identifiers: ClinVar variation 2962290 (VCV002962290.3), dbSNP rs2525831896, ClinGen allele CA2740090338.